The following is an entry in ClinVar:

NM_000152.5(GAA):c.2368C>T (p.Pro790Ser)

Gene: GAA (alpha glucosidase; plus strand). Cytogenetic location: 17q25.3.
Variant type: single nucleotide variant.
Coding change: c.2368C>T on transcript NM_000152.5 (MANE Select); coding-DNA position 2368, C replaced by T.
Protein change: p.Pro790Ser; replaces proline 790 with serine.
Molecular consequence: missense variant.
Genome position (GRCh38, 1-based): chr17:80,117,636, C>T. VCF-style: chr17-80117636-C-T. GRCh37 (hg19) VCF-style: chr17-78091435-C-T.
Other names: c.2368C>T, p.Pro790Ser (NM_001079803.3, NM_001079804.3); short protein forms P790S.
Identifiers: ClinVar variation 946986 (VCV000946986.13), dbSNP rs776111131, ClinGen allele CA294857158.

ClinVar aggregate classification (germline): Uncertain significance. Review status: criteria provided, multiple submitters, no conflicts (2 of 4 stars). 3 submissions from 3 submitters: Uncertain significance (2). 1 of the submissions does not count toward it. Last evaluated 2024-06-10.

Conditions:
Glycogen storage disease, type II (IOPD). Also called: Glycogen storage disease type 2; Acid maltase deficiency disease; Aglucosidase alfa; Deficiency of alpha-glucosidase; Deficiency of lysosomal alpha-glucosidase; ACID MALTASE DEFICIENCY, INFANTILE-ONSET. Identifiers: Orphanet 365, MedGen C0017921, MONDO:0009290, OMIM 232300.

Allele frequency attached by ClinVar (database versions not stated): TOPMed 0.00001; gnomAD exomes 0.00002.
gnomAD v4.1: 28 of 1,612,884 alleles (0.0017%); highest among the groups gnomAD compares: Non-Finnish European, 0.0024%; no homozygotes.

Submissions (3):

Labcorp Genetics (formerly Invitae), Labcorp
Classification: Uncertain significance for Glycogen storage disease, type II. Last evaluated: 2024-06-10. Review status: criteria provided, single submitter. Criteria: Invitae Variant Classification Sherloc (09022015). Collection method: clinical testing. Allele origin: germline.
Comment: This sequence change replaces proline, which is neutral and non-polar, with serine, which is neutral and polar, at codon 790 of the GAA protein (p.Pro790Ser). This variant is not present in population databases (gnomAD no frequency). This variant has not been reported in the literature in individuals affected with GAA-related conditions. ClinVar contains an entry for this variant (Variation ID: 946986). Advanced modeling of protein sequence and biophysical properties (such as structural, functional, and spatial information, amino acid conservation, physicochemical variation, residue mobility, and thermodynamic stability) performed at Invitae indicates that this missense variant is not expected to disrupt GAA protein function with a negative predictive value of 95%. In summary, the available evidence is currently insufficient to determine the role of this variant in disease. Therefore, it has been classified as a Variant of Uncertain Significance.

Fulgent Genetics
Classification: Uncertain significance for Glycogen storage disease, type II. Last evaluated: 2021-10-01. Review status: criteria provided, single submitter. Criteria: ACMG Guidelines, 2015. Collection method: clinical testing. Allele origin: unknown.

Natera, Inc.
Classification: Uncertain significance for Glycogen storage disease type II. Last evaluated: 2020-03-24. Review status: no assertion criteria provided. Collection method: clinical testing. Allele origin: germline. Not counted in ClinVar's aggregate classification.